The following is an entry in ClinVar:

ClinVar aggregate classification (germline): Benign/Likely benign. Review status: criteria provided, multiple submitters, no conflicts (2 of 4 stars). 4 submissions from 4 submitters: Benign (2); Likely benign (1). 1 of the submissions does not count toward it. Last evaluated 2025-12-26.

Conditions:
SLC39A8-related disorder. Also called: SLC39A8-related condition.

Allele frequency attached by ClinVar (database versions not stated): gnomAD exomes 0.00091 and 0.00116; ExAC 0.00157; ESP Exome Variant Server 0.00502; gnomAD 0.00676 and 0.00713; TOPMed 0.00780; 1000 Genomes Project 30x 0.00781; 1000 Genomes Project 0.00799.
gnomAD v4.1: 2,357 of 1,549,458 alleles (0.15%); highest among the groups gnomAD compares: African/African-American, 2.3%; 25 homozygotes.

Submissions (4):

Labcorp Genetics (formerly Invitae), Labcorp
Classification: Benign. Last evaluated: 2025-12-26. Review status: criteria provided, single submitter. Criteria: Invitae Variant Classification Sherloc (09022015). Collection method: clinical testing. Allele origin: germline.

GeneDx
Classification: Likely benign. Last evaluated: 2022-02-13. Review status: criteria provided, single submitter. Criteria: GeneDx Variant Classification Process June 2021. Collection method: clinical testing. Allele origin: germline. Affected: yes.
Comment: See Variant Classification Assertion Criteria.

Breakthrough Genomics
Classification: Benign. Review status: criteria provided, single submitter. Criteria: ACMG Guidelines, 2015. Collection method: not provided. Allele origin: germline. Inheritance: Autosomal recessive inheritance. Affected: yes.

PreventionGenetics, part of Exact Sciences
Classification: Benign for SLC39A8-related condition. Last evaluated: 2019-07-16. Review status: no assertion criteria provided. Collection method: clinical testing. Allele origin: germline. Not counted in ClinVar's aggregate classification.
Comment: This variant is classified as benign based on ACMG/AMP sequence variant interpretation guidelines (Richards et al. 2015 PMID: 25741868, with internal and published modifications).

NM_001135146.2(SLC39A8):c.81A>C (p.Leu27=)

Genes: SLC39A8 (solute carrier family 39 member 8; minus strand), LOC129992876 (ATAC-STARR-seq lymphoblastoid silent region 15595; plus strand). Cytogenetic location: 4q24.
Variant type: single nucleotide variant.
Coding change: c.81A>C on transcript NM_001135146.2 (MANE Select); coding-DNA position 81, A replaced by C.
Protein change: p.Leu27=; no amino-acid change (leucine 27 retained).
Molecular consequence: synonymous variant.
Genome position (GRCh38, 1-based): chr4:102,344,582, T>G on the plus strand (A>C on the coding strand, the complement: SLC39A8 is on the minus strand). VCF-style: chr4-102344582-T-G. GRCh37 (hg19) VCF-style: chr4-103265739-T-G.
Other names: c.81A>C, p.Leu27= (NM_001135147.1, NM_022154.5).
Identifiers: ClinVar variation 719671 (VCV000719671.13), dbSNP rs1870953, ClinGen allele CA3025740.